The following is an entry in ClinVar:

NC_000005.9:g.(?_131724593)_(131728327_?)del

Gene: SLC22A5 (solute carrier family 22 member 5; plus strand). Cytogenetic location: 5q31.1.
Variant type: Deletion.
Identifiers: ClinVar variation 3246303 (VCV003246303.1).

ClinVar aggregate classification (germline): Pathogenic (1 of 4 stars; one submission).

Conditions:
Renal carnitine transport defect (CDSP). Also called: Carnitine transporter deficiency; Carnitine Deficiency, Systemic; Systemic primary carnitine deficiency disease; CARNITINE DEFICIENCY, SYSTEMIC, DUE TO DEFECT IN RENAL REABSORPTION OF CARNITINE; CARNITINE TRANSPORTER, PLASMA-MEMBRANE, DEFICIENCY OF; CARNITINE UPTAKE DEFECT. Identifiers: Orphanet 158, MedGen C0342788, MONDO:0008919, OMIM 212140.

Submission:

Labcorp Genetics (formerly Invitae), Labcorp
Classification: Pathogenic for Renal carnitine transport defect. Last evaluated: 2023-03-01. Review status: criteria provided, single submitter. Criteria: Invitae Variant Classification Sherloc (09022015). Collection method: clinical testing. Allele origin: unknown.
Comment: This variant is a gross deletion of the genomic region encompassing exon(s) 6-8 of the SLC22A5 gene. This deletion is out-of-frame, and is expected to create a premature termination codon and result in an absent or disrupted protein product. Loss-of-function variants in SLC22A5 are known to be pathogenic (PMID: 9916797). This variant has not been reported in the literature in individuals affected with SLC22A5-related conditions. For these reasons, this variant has been classified as Pathogenic.

Literature cited by the submitters: PubMed 9916797.